The following is an entry in ClinVar:

NM_000038.6(APC):c.308dup (p.Ser104fs)

Gene: APC (APC regulator of Wnt signaling pathway; plus strand). Cytogenetic location: 5q22.2.
Variant type: Duplication.
Coding change: c.308dup on transcript NM_000038.6 (MANE Select); coding-DNA position 308, one base duplicated (T; older notation c.308dupT).
Protein change: p.Ser104fs; shifts the reading frame from serine 104.
Molecular consequence: frameshift variant. On other transcripts: 5 prime UTR variant (4), non-coding transcript variant (2).
Genome position (GRCh38, 1-based): chr5:112,767,276, T duplicated. VCF-style (leftmost placement, unchanged base first): chr5-112767275-G-GT. GRCh37 (hg19) VCF-style: chr5-112102972-G-GT.
Other names: c.308dup, p.Ser104fs (NM_001127510.3, NM_001354895.2, NM_001354896.2 and 16 more transcripts); c.338dup, p.Ser114fs (NM_001127511.3, NM_001354897.2, NM_001354902.2 and 1 more transcripts); c.233dup, p.Ser79fs (NM_001354898.2, NM_001354904.2, NM_001407451.1); c.131dup, p.Ser45fs (NM_001354900.2, NM_001354901.2, NM_001354905.2 and 1 more transcripts); c.-728dup (NM_001354906.2, NM_001407470.1, NM_001407471.1 and 1 more transcripts); short protein forms S45fs, S104fs, S79fs, S114fs.
Identifiers: ClinVar variation 2566935 (VCV002566935.2), dbSNP rs2532295523, ClinGen allele CA2580613616.
Genomic context (GRCh38, chr5:112,767,275, plus strand): 5'-CCTGGAGTAAAACTGCGGTCAAAAATGTCCCTCCGTTCTTATGGAAGCCGGGAAGGATCT[G>GT]TATCAAGCCGTTCTGGAGAGTGCAGTCCTGTTCCTATGGGTTCATTTCCAAGAAGAGGGT-3'

ClinVar aggregate classification (germline): Pathogenic (1 of 4 stars; one submission).

Conditions:
Hereditary cancer-predisposing syndrome. Also called: Hereditary neoplastic syndrome; Hereditary Cancer Syndrome; Neoplastic Syndromes, Hereditary; Tumor predisposition. Identifiers: Orphanet 140162, MedGen C0027672, MeSH D009386, MONDO:0015356.

Submission:

Ambry Genetics
Classification: Pathogenic for Hereditary cancer-predisposing syndrome. Last evaluated: 2023-03-30. Review status: criteria provided, single submitter. Criteria: Ambry Variant Classification Scheme 2023. Collection method: clinical testing. Allele origin: germline.
Comment: The c.308dupT variant, located in coding exon 3 of the APC gene, results from a duplication of T at nucleotide position 308, causing a translational frameshift with a predicted alternate stop codon (p.S104Ifs*35). This variant is considered to be rare based on population cohorts in the Genome Aggregation Database (gnomAD). This alteration is expected to result in loss of function by premature protein truncation or nonsense-mediated mRNA decay. As such, this alteration is interpreted as a disease-causing mutation.